The following is an entry in ClinVar:

NM_032578.4(MYPN):c.776T>C (p.Leu259Pro)

Gene: MYPN (myopalladin; plus strand). Cytogenetic location: 10q21.3.
Variant type: single nucleotide variant.
Coding change: c.776T>C on transcript NM_032578.4 (MANE Select); coding-DNA position 776, T replaced by C.
Protein change: p.Leu259Pro; replaces leucine 259 with proline.
Molecular consequence: missense variant. On other transcripts: 5 prime UTR variant (1), non-coding transcript variant (1).
Genome position (GRCh38, 1-based): chr10:68,122,214, T>C. VCF-style: chr10-68122214-T-C. GRCh37 (hg19) VCF-style: chr10-69881971-T-C.
Other names: c.776T>C, p.Leu259Pro (NM_001256267.2); c.-347T>C (NM_001256268.2); short protein forms L259P.
Identifiers: ClinVar variation 3228180 (VCV003228180.1), dbSNP rs201459289, ClinGen allele CA377105085.

ClinVar aggregate classification (germline): Uncertain significance (1 of 4 stars; one submission).

Conditions:
Cardiovascular phenotype. Identifiers: MedGen CN230736.

Submission:

Ambry Genetics
Classification: Uncertain significance for Cardiovascular phenotype. Last evaluated: 2023-11-08. Review status: criteria provided, single submitter. Criteria: Ambry Variant Classification Scheme 2023. Collection method: clinical testing. Allele origin: germline.
Comment: The p.L259P variant (also known as c.776T>C), located in coding exon 1 of the MYPN gene, results from a T to C substitution at nucleotide position 776. The leucine at codon 259 is replaced by proline, an amino acid with similar properties. This amino acid position is conserved. In addition, the in silico prediction for this alteration is inconclusive. Since supporting evidence is limited at this time, the clinical significance of this alteration remains unclear.